The following is an entry in ClinVar:

ClinVar aggregate classification (germline): Uncertain significance. Review status: criteria provided, multiple submitters, no conflicts (2 of 4 stars). 2 submissions from 2 submitters: Uncertain significance (2). Last evaluated 2025-06-06.

Conditions:
Hereditary cancer-predisposing syndrome. Also called: Tumor predisposition; Hereditary neoplastic syndrome; Hereditary Cancer Syndrome; Neoplastic Syndromes, Hereditary. Identifiers: Orphanet 140162, MedGen C0027672, MeSH D009386, MONDO:0015356.
Familial cancer of breast. Also called: BREAST CANCER, FAMILIAL; Hereditary breast cancer; hereditary breast carcinoma. Identifiers: Orphanet 227535, MedGen C0346153, MONDO:0016419, OMIM 114480. Disease mechanism: loss of function.

gnomAD v4.1: 1 of 1,609,912 alleles (0.000062%); highest among the groups gnomAD compares: South Asian, 0.0011%; no homozygotes.

Submissions (2):

Ambry Genetics
Classification: Uncertain significance for Hereditary cancer-predisposing syndrome. Last evaluated: 2025-06-06. Review status: criteria provided, single submitter. Criteria: Ambry Variant Classification Scheme 2023. Collection method: clinical testing. Allele origin: germline.
Comment: The p.Q336R variant (also known as c.1007A>G), located in coding exon 8 of the CHEK2 gene, results from an A to G substitution at nucleotide position 1007. The glutamine at codon 336 is replaced by arginine, an amino acid with highly similar properties. This amino acid position is conserved. In addition, this alteration is predicted to be tolerated by in silico analysis. Based on the available evidence, the clinical significance of this variant remains unclear.

Labcorp Genetics (formerly Invitae), Labcorp
Classification: Uncertain significance for Familial cancer of breast. Last evaluated: 2024-11-05. Review status: criteria provided, single submitter. Criteria: Invitae Variant Classification Sherloc (09022015). Collection method: clinical testing. Allele origin: germline.
Comment: This sequence change replaces glutamine, which is neutral and polar, with arginine, which is basic and polar, at codon 336 of the CHEK2 protein (p.Gln336Arg). This variant is not present in population databases (gnomAD no frequency). This variant has not been reported in the literature in individuals affected with CHEK2-related conditions. ClinVar contains an entry for this variant (Variation ID: 964251). An algorithm developed to predict the effect of missense changes on protein structure and function (PolyPhen-2) suggests that this variant is likely to be disruptive. Algorithms developed to predict the effect of sequence changes on RNA splicing suggest that this variant may disrupt the consensus splice site. In summary, the available evidence is currently insufficient to determine the role of this variant in disease. Therefore, it has been classified as a Variant of Uncertain Significance.

NM_007194.4(CHEK2):c.1007A>G (p.Gln336Arg)

Gene: CHEK2 (checkpoint kinase 2; minus strand). Cytogenetic location: 22q12.1.
Variant type: single nucleotide variant.
Coding change: c.1007A>G on transcript NM_007194.4 (MANE Select); coding-DNA position 1007, A replaced by G.
Protein change: p.Gln336Arg; replaces glutamine 336 with arginine.
Molecular consequence: missense variant.
Genome position (GRCh38, 1-based): chr22:28,699,839, T>C on the plus strand (A>G on the coding strand, the complement: CHEK2 is on the minus strand). VCF-style: chr22-28699839-T-C. GRCh37 (hg19) VCF-style: chr22-29095827-T-C.
Other names: c.1136A>G, p.Gln379Arg (NM_001005735.3); c.344A>G, p.Gln115Arg (NM_001257387.3); c.806A>G, p.Gln269Arg (NM_001349956.3); c.1007A>G, p.Gln336Arg (NM_145862.3); short protein forms Q115R, Q269R, Q379R, Q336R.
Identifiers: ClinVar variation 964251 (VCV000964251.11), dbSNP rs1300388084, ClinGen allele CA411099270.